The following is an entry in ClinVar:

NM_017780.4(CHD7):c.728C>G (p.Pro243Arg)

Gene: CHD7 (chromodomain helicase DNA binding protein 7; plus strand). Cytogenetic location: 8q12.2.
Variant type: single nucleotide variant.
Coding change: c.728C>G on transcript NM_017780.4 (MANE Select); coding-DNA position 728, C replaced by G.
Protein change: p.Pro243Arg; replaces proline 243 with arginine.
Molecular consequence: missense variant.
Genome position (GRCh38, 1-based): chr8:60,742,160, C>G. VCF-style: chr8-60742160-C-G. GRCh37 (hg19) VCF-style: chr8-61654719-C-G.
Other names: c.728C>G, p.Pro243Arg (NM_001316690.1); short protein forms P243R.
Identifiers: ClinVar variation 5034510 (VCV005034510.1).

ClinVar aggregate classification (germline): Uncertain significance (1 of 4 stars; one submission).

Conditions:
Inborn genetic diseases. Identifiers: MedGen C0950123, MeSH D030342.

Submission:

Ambry Genetics
Classification: Uncertain significance for Inborn genetic diseases. Last evaluated: 2026-06-25. Review status: criteria provided, single submitter. Criteria: Ambry Variant Classification Scheme 2023. Collection method: clinical testing. Allele origin: germline.
Comment: The p.P243R variant (also known as c.728C>G), located in coding exon 1 of the CHD7 gene, results from a C to G substitution at nucleotide position 728. The proline at codon 243 is replaced by arginine, an amino acid with dissimilar properties. This amino acid position is conserved. In addition, this alteration is predicted to be deleterious by in silico analysis. Based on the available evidence, the clinical significance of this variant remains unclear.